The following is an entry in ClinVar:

ClinVar aggregate classification (germline): Pathogenic (1 of 4 stars; one submission).

Submission:

GeneDx
Classification: Pathogenic. Last evaluated: 2026-10-05. Review status: criteria provided, single submitter. Criteria: GeneDx Variant Classification Process June 2021. Collection method: clinical testing. Allele origin: germline.
Comment: Frameshift variant predicted to result in protein truncation or nonsense mediated decay in a gene for which loss of function is a known mechanism of disease; Not observed at significant frequency in large population cohorts (gnomAD); Has not been previously published as pathogenic or benign to our knowledge

NM_014233.4(UBTF):c.724_725del (p.Arg242fs)

Genes: ATXN7L3-AS1 (ATXN7L3 antisense RNA 1; plus strand), UBTF (upstream binding transcription factor; minus strand). Cytogenetic location: 17q21.31.
Variant type: Microsatellite.
Coding change: c.724_725del on transcript NM_014233.4 (MANE Select); coding-DNA positions 724 to 725, 2 bases deleted (AG; older notation c.724_725delAG).
Protein change: p.Arg242fs; shifts the reading frame from arginine 242.
Molecular consequence: frameshift variant. On other transcripts: non-coding transcript variant (1), intron variant (2).
Genome position (GRCh38, 1-based): chr17:44,212,390-44,212,391, CT deleted on the plus strand (AG on the coding strand, the reverse complement: UBTF is on the minus strand); deleting any 2 consecutive bases within chr17:44,212,390-44,212,393 gives the same sequence; the c. name uses the placement nearest the transcript's 3' end. VCF-style (leftmost placement, unchanged base first): chr17-44212389-CCT-C. GRCh37 (hg19) VCF-style: chr17-42289757-CCT-C.
Other names: c.661-385_661-384del (NM_001076683.2, NM_001076684.3); short protein forms R242fs.
Identifiers: ClinVar variation 3364959 (VCV003364959.2).